The following is an entry in ClinVar:

NM_001276345.2(TNNT2):c.310C>A (p.Arg104Ser)

Gene: TNNT2 (troponin T2, cardiac type; minus strand). Cytogenetic location: 1q32.1.
Variant type: single nucleotide variant.
Coding change: c.310C>A on transcript NM_001276345.2 (MANE Select); coding-DNA position 310, C replaced by A.
Protein change: p.Arg104Ser; replaces arginine 104 with serine.
Molecular consequence: missense variant. On other transcripts: intron variant (1).
Genome position (GRCh38, 1-based): chr1:201,365,292, G>T on the plus strand (C>A on the coding strand, the complement: TNNT2 is on the minus strand). VCF-style: chr1-201365292-G-T. GRCh37 (hg19) VCF-style: chr1-201334420-G-T.
Other names: c.310C>A, p.Arg104Ser (NM_000364.4, NM_001406723.1); c.280C>A, p.Arg94Ser (NM_001001430.3, NM_001001431.3, NM_001276347.2 and 3 more transcripts); c.265C>A, p.Arg89Ser (NM_001001432.3, NM_001406728.1); c.277C>A, p.Arg93Ser (NM_001406725.1); c.291+318C>A (NM_001276346.2); c.310C>A (NM_000364.3); short protein forms R104S, R89S, R93S, R94S.
Identifiers: ClinVar variation 2500774 (VCV002500774.2), dbSNP rs727503513, ClinGen allele CA344206558.
Genomic context (GRCh38, chr1:201,365,292, plus strand): 5'-TCCTGTTCTCAAAGTGAGCCTCGATCAGCGCCTGCAACTCATTCAGGTCCTTCTCCATGC[G>T]CTTCCGGTGGATGTCCTGTGGGTGGACCGCTGCGGCTCAGAGGCTGCCACTCCAAAGAGT-3'
Protein context (NP_001263274.1, residues 94-114): RVDFDDIHRK[Arg104Ser]MEKDLNELQA

ClinVar aggregate classification (germline): Pathogenic (1 of 4 stars; one submission).

Conditions:
Hypertrophic cardiomyopathy 2. Also called: TNNT2-Related Familial Hypertrophic Cardiomyopathy. Identifiers: MedGen C1861864, MONDO:0007266, OMIM 115195.

Submission:

Victorian Clinical Genetics Services, Murdoch Childrens Research Institute
Classification: Pathogenic for Hypertrophic cardiomyopathy 2. Last evaluated: 2020-10-19. Review status: criteria provided, single submitter. Criteria: ACMG Guidelines, 2015. Collection method: clinical testing. Allele origin: germline. Inheritance: Autosomal dominant inheritance. Affected: yes.
Comment: Based on the classification scheme VCGS_Germline_v1.3.3, this variant is classified as Pathogenic. Following criteria are met: 0103 - Dominant negative and gain of function are reported mechanisms of disease in this gene and is associated with hypertrophic cardiomyopathy 2 (MIM#115195) (PMID: 18612386). (I) 0107 - This gene is associated with autosomal dominant disease. (I) 0200 - Variant is predicted to result in a missense amino acid change from arginine to serine. (I) 0251 - This variant is heterozygous. (I) 0301 - Variant is absent from gnomAD (both v2 and v3). (SP) 0501 - Missense variant consistently predicted to be damaging by multiple in silico tools or highly conserved with a major amino acid change. (SP) 0601 - Variant is located in the well-established functional Troponin domain (PDB, NCBI). (SP) 0702 - Other missense variants comparable to the one identified in this case have strong previous evidence for pathogenicity. Three different variants in the same codon resulting in changes to a cysteine, histidine, leucine has also been reported as pathogenic in ClinVar. (SP) 0807 - This variant has no previous evidence of pathogenicity. (I) 0905 - No published segregation evidence has been identified for this variant. (I) 1007 - No published functional evidence has been identified for this variant. (SP) Legend: (SP) - Supporting pathogenic, (I) - Information, (SB) - Supporting benign

Literature cited by the submitters: PubMed 18612386.